The following is an entry in ClinVar:

NM_007194.4(CHEK2):c.1561C>G (p.Arg521Gly)

Gene: CHEK2 (checkpoint kinase 2; minus strand). Cytogenetic location: 22q12.1.
Variant type: single nucleotide variant.
Coding change: c.1561C>G on transcript NM_007194.4 (MANE Select); coding-DNA position 1561, C replaced by G.
Protein change: p.Arg521Gly; replaces arginine 521 with glycine.
Molecular consequence: missense variant.
Genome position (GRCh38, 1-based): chr22:28,687,968, G>C on the plus strand (C>G on the coding strand, the complement: CHEK2 is on the minus strand). VCF-style: chr22-28687968-G-C. GRCh37 (hg19) VCF-style: chr22-29083956-G-C.
Other names: c.1690C>G, p.Arg564Gly (NM_001005735.3); c.898C>G, p.Arg300Gly (NM_001257387.3); c.1360C>G, p.Arg454Gly (NM_001349956.3); c.1474C>G, p.Arg492Gly (NM_145862.3); short protein forms R521G, R564G, R300G, R454G, R492G.
Identifiers: ClinVar variation 582316 (VCV000582316.9), dbSNP rs533475838, ClinGen allele CA411091384.

ClinVar aggregate classification (germline): Uncertain significance (1 of 4 stars; one submission).

Conditions:
Familial cancer of breast. Also called: Hereditary breast cancer; hereditary breast carcinoma; BREAST CANCER, FAMILIAL. Identifiers: Orphanet 227535, MedGen C0346153, MONDO:0016419, OMIM 114480. Disease mechanism: loss of function.

Submission:

Labcorp Genetics (formerly Invitae), Labcorp
Classification: Uncertain significance for Familial cancer of breast. Last evaluated: 2024-08-04. Review status: criteria provided, single submitter. Criteria: Invitae Variant Classification Sherloc (09022015). Collection method: clinical testing. Allele origin: germline.
Comment: This sequence change replaces arginine, which is basic and polar, with glycine, which is neutral and non-polar, at codon 521 of the CHEK2 protein (p.Arg521Gly). This variant is not present in population databases (gnomAD no frequency). This variant has not been reported in the literature in individuals affected with CHEK2-related conditions. ClinVar contains an entry for this variant (Variation ID: 582316). An algorithm developed to predict the effect of missense changes on protein structure and function (PolyPhen-2) suggests that this variant is likely to be disruptive. Algorithms developed to predict the effect of sequence changes on RNA splicing suggest that this variant may disrupt the consensus splice site. In summary, the available evidence is currently insufficient to determine the role of this variant in disease. Therefore, it has been classified as a Variant of Uncertain Significance.